The following is an entry in ClinVar:

NC_000023.11:g.(?_139541049)_(139563439_?)del

Gene: F9 (coagulation factor IX; plus strand). Cytogenetic location: Xq27.1.
Variant type: Deletion.
Identifiers: ClinVar variation 830844 (VCV000830844.7).

ClinVar aggregate classification (germline): Pathogenic (1 of 4 stars; one submission).

Conditions:
Hereditary factor IX deficiency disease (HEMB). Also called: F9 DEFICIENCY; FACTOR IX DEFICIENCY; Hemophilia B; PLASMA THROMBOPLASTIN COMPONENT DEFICIENCY; Christmas Disease. Identifiers: Orphanet 98879, MedGen C0008533, MeSH D002836, MONDO:0010604, OMIM 306900.
Thrombophilia, X-linked, due to factor 9 defect. Identifiers: MedGen C2749016, MONDO:0010432, OMIM 300807.

Submission:

Labcorp Genetics (formerly Invitae), Labcorp
Classification: Pathogenic for Thrombophilia, X-linked, due to factor 9 defect; Hereditary factor IX deficiency disease. Last evaluated: 2020-12-05. Review status: criteria provided, single submitter. Criteria: Invitae Variant Classification Sherloc (09022015). Collection method: clinical testing. Allele origin: germline.
Comment: This variant disrupts the C-terminus of the F9 protein. Other variant(s) that disrupt this region (p.Arg294*) have been determined to be pathogenic (PMID: 23093250, 8217825, 10595634, 2270538). This suggests that variants that disrupt this region of the protein are likely to be causative of disease. For these reasons, this variant has been classified as Pathogenic. This variant has been observed in individual(s) with hemophilia B (PMID: 10739381). This variant is a gross deletion of the genomic region encompassing exon(s) 4-8 of the F9 gene. The 5' boundary is likely confined to intron 3. The 3' end of this event is unknown as it extends through the termination codon beyond the assayed region for this gene and may encompass additional genes. While this deletion is not anticipated to lead to nonsense mediated decay, it is expected to alter mRNA translation or result in a truncated protein product.

Literature cited by the submitters: PubMed 23093250; PubMed 8217825; PubMed 10595634; PubMed 2270538; PubMed 10739381.